The following is an entry in ClinVar:

NM_002487.3(NDN):c.953T>C (p.Val318Ala)

Gene: NDN (necdin, MAGE family member; minus strand). Cytogenetic location: 15q11.2.
Variant type: single nucleotide variant.
Coding change: c.953T>C on transcript NM_002487.3 (MANE Select); coding-DNA position 953, T replaced by C.
Protein change: p.Val318Ala; replaces valine 318 with alanine.
Molecular consequence: missense variant.
Genome position (GRCh38, 1-based): chr15:23,686,265, A>G on the plus strand (T>C on the coding strand, the complement: NDN is on the minus strand). VCF-style: chr15-23686265-A-G. GRCh37 (hg19) VCF-style: chr15-23931412-A-G.
Other names: short protein forms V318A.
Identifiers: ClinVar variation 445448 (VCV000445448.14), dbSNP rs114077338, ClinGen allele CA7430145.
Genomic context (GRCh38, chr15:23,686,265, plus strand): 5'-ACAGCCCTGGTGAGGGTCAGAAACCATTCATCTGCCTCCAGACTTTGCTAGTCCTCAGAG[A>G]CACTGCTGCGAGGGTAGTGGGCAGTGGGATTAGCCTCCCGCAGAGCTCTGGCCTCCTCCA-3'
Protein context (NP_002478.1, residues 308-321): NPTAHYPRSS[Val318Ala]SED

ClinVar aggregate classification (germline): Benign/Likely benign. Review status: criteria provided, multiple submitters, no conflicts (2 of 4 stars). 3 submissions from 3 submitters: Benign (1); Likely benign (2). Last evaluated 2025-07-01.

Allele frequency attached by ClinVar (database versions not stated): gnomAD exomes 0.00033 and 0.00113; ExAC 0.00103; ESP Exome Variant Server 0.00302; 1000 Genomes Project 0.00319; gnomAD 0.00350 and 0.00379; TOPMed 0.00356; 1000 Genomes Project 30x 0.00375.

Submissions (3):

CeGaT Center for Human Genetics Tuebingen
Classification: Likely benign. Last evaluated: 2025-07-01. Review status: criteria provided, single submitter. Criteria: CeGaT Center For Human Genetics Tuebingen Variant Classification Criteria Version 2. Collection method: clinical testing. Allele origin: germline. Affected: yes. Observed: 1 variant allele.
Comment: NDN: BS1

Labcorp Genetics (formerly Invitae), Labcorp
Classification: Benign. Last evaluated: 2019-12-31. Review status: criteria provided, single submitter. Criteria: Invitae Variant Classification Sherloc (09022015). Collection method: clinical testing. Allele origin: germline.

Center for Pediatric Genomic Medicine, Children's Mercy Hospital and Clinics
Classification: Likely benign. Last evaluated: 2017-08-11. Review status: criteria provided, single submitter. Criteria: ACMG Guidelines, 2015. Collection method: clinical testing. Allele origin: germline.